The following is an entry in ClinVar:

ClinVar aggregate classification (germline): Likely pathogenic (1 of 4 stars; one submission).

Conditions:
Early-infantile DEE. Also called: Ohtahara syndrome; Early infantile epileptic encephalopathy; Early infantile epileptic encephalopathy with suppression bursts. Identifiers: Orphanet 1934, MedGen C0393706, MONDO:0800491.

Submission:

Labcorp Genetics (formerly Invitae), Labcorp
Classification: Likely pathogenic for Early-infantile DEE. Last evaluated: 2024-10-15. Review status: criteria provided, single submitter. Criteria: Invitae Variant Classification Sherloc (09022015). Collection method: clinical testing. Allele origin: germline.
Comment: The SCN8A gene has multiple clinically relevant transcripts. This variant occurs in alternate transcript NM_001330260.1, and corresponds to NM_014191.3:c.706+173T>C in the primary transcript. This sequence change replaces valine, which is neutral and non-polar, with alanine, which is neutral and non-polar, at codon 211 of the SCN8A protein (p.Val211Ala). This variant is not present in population databases (gnomAD no frequency). This missense change has been observed in individual(s) with epileptic encephalopathy (PMID: 29121005). In at least one individual the variant was observed to be de novo. ClinVar contains an entry for this variant (Variation ID: 763582). Algorithms developed to predict the effect of sequence changes on RNA splicing suggest that this variant is not likely to affect RNA splicing. In summary, the currently available evidence indicates that the variant is pathogenic, but additional data are needed to prove that conclusively. Therefore, this variant has been classified as Likely Pathogenic.

Literature cited by the submitters: PubMed 29121005.

NM_001330260.2(SCN8A):c.632T>C (p.Val211Ala)

Gene: SCN8A (sodium voltage-gated channel alpha subunit 8; plus strand). Cytogenetic location: 12q13.13.
Variant type: single nucleotide variant.
Coding change: c.632T>C on transcript NM_001330260.2 (MANE Select); coding-DNA position 632, T replaced by C.
Protein change: p.Val211Ala; replaces valine 211 with alanine.
Molecular consequence: missense variant. On other transcripts: intron variant (2).
Genome position (GRCh38, 1-based): chr12:51,689,022, T>C. VCF-style: chr12-51689022-T-C. GRCh37 (hg19) VCF-style: chr12-52082806-T-C.
Other names: c.632T>C, p.Val211Ala (NM_001369788.1); c.706+173T>C (NM_014191.4, NM_001177984.3); short protein forms V211A.
Identifiers: ClinVar variation 763582 (VCV000763582.9), dbSNP rs1592380834, ClinGen allele CA385224430.